The following is an entry in ClinVar:

NM_005267.5(GJA8):c.208T>C (p.Phe70Leu)

Gene: GJA8 (gap junction protein alpha 8; plus strand). Cytogenetic location: 1q21.2.
Variant type: single nucleotide variant.
Coding change: c.208T>C on transcript NM_005267.5 (MANE Select); coding-DNA position 208, T replaced by C.
Protein change: p.Phe70Leu; replaces phenylalanine 70 with leucine.
Molecular consequence: missense variant.
Genome position (GRCh38, 1-based): chr1:147,908,163, T>C. VCF-style: chr1-147908163-T-C. GRCh37 (hg19) VCF-style: chr1-147380290-T-C.
Other names: short protein forms F70L.
Identifiers: ClinVar variation 3253723 (VCV003253723.1), dbSNP rs2524889489.

ClinVar aggregate classification (germline): Uncertain significance (1 of 4 stars; one submission).

Conditions:
Cataract 1 multiple types. Also called: CATARACT, DUFFY-LINKED; CATARACT 1, POSTERIOR SUBCAPSULAR, WITH MICROCORNEA; CATARACT 1, STELLATE NUCLEAR, WITH MICROCORNEA; CATARACT 1, MULTIPLE TYPES, WITH OR WITHOUT MICROCORNEA; CATARACT 1, NUCLEAR PROGRESSIVE; CATARACT 1 WITH MICROCORNEA. Identifiers: Orphanet 1377, MedGen C1861828, MONDO:0007285, OMIM 116200.

Submission:

Dept. Genetics and Cancer, Menzies Institute for Medical Research, University of Tasmania
Classification: Uncertain significance for Cataract 1 multiple types. Last evaluated: 2023-01-21. Review status: criteria provided, single submitter. Criteria: ACMG Guidelines, 2015. Collection method: curation. Allele origin: germline. Affected: yes.
Comment: Variant identified and curated during a GJA8 specific review of the literature in relation to pediatric or congenital cataract. ACMG-AMP criteria applied: PM1(Supporting), PM2(Supporting), PP3. Original variant report: PMID:29464339. Additional phenotype/s reported in these individual/s are: Microphthalmia and secondary glaucoma. Gene review and curation guidelines are outlined in: DOI 10.1080/17469899.2023.2160320

Literature cited by the submitters: PubMed 29464339.